The following is an entry in ClinVar:

NM_001127644.2(GABRA1):c.954C>G (p.Ala318=)

Gene: GABRA1 (gamma-aminobutyric acid type A receptor subunit alpha1; plus strand). Cytogenetic location: 5q34.
Variant type: single nucleotide variant.
Coding change: c.954C>G on transcript NM_001127644.2 (MANE Select); coding-DNA position 954, C replaced by G.
Protein change: p.Ala318=; no amino-acid change (alanine 318 retained).
Molecular consequence: synonymous variant.
Genome position (GRCh38, 1-based): chr5:161,895,763, C>G. VCF-style: chr5-161895763-C-G. GRCh37 (hg19) VCF-style: chr5-161322769-C-G.
Other names: c.954C>G, p.Ala318= (NM_000806.5, NM_001127643.2, NM_001127645.2 and 1 more transcripts).
Identifiers: ClinVar variation 3768359 (VCV003768359.2).
Genomic context (GRCh38, chr5:161,895,763, plus strand): 5'-CAGTGCCAGAAACTCCCTCCCTAAGGTGGCTTATGCAACAGCTATGGATTGGTTTATTGC[C>G]GTGTGCTATGCCTTTGTGTTCTCAGCTCTGATTGAGTTTGCCACAGTAAACTATTTCACT-3'
Protein context (NP_001121116.1, residues 308-328): AYATAMDWFI[Ala318=]VCYAFVFSAL

ClinVar aggregate classification (germline): Likely benign. Review status: criteria provided, multiple submitters, no conflicts (2 of 4 stars). 2 submissions from 2 submitters: Likely benign (2). Last evaluated 2024-12-02.

Submissions (2):

Women's Health and Genetics/Laboratory Corporation of America, LabCorp
Classification: Likely benign. Last evaluated: 2024-12-02. Review status: criteria provided, single submitter. Criteria: LabCorp Variant Classification Summary - May 2015. Collection method: clinical testing. Allele origin: germline.
Comment: Variant summary: GABRA1 c.954C>G alters a non-conserved nucleotide resulting in a synonymous change. Consensus agreement among computation tools predict no significant impact on normal splicing. However, these predictions have yet to be confirmed by functional studies. The variant was absent in 251392 control chromosomes (gnomAD). The available data on variant occurrences in the general population are insufficient to allow any conclusion about variant significance. To our knowledge, no occurrence of c.954C>G in individuals affected with Developmental And Epileptic Encephalopathy, 19 and no experimental evidence demonstrating its impact on protein function have been reported. No submitters have cited clinical-significance assessments for this variant to ClinVar. Based on the evidence outlined above, the variant was classified as likely benign.

Blueprint Genetics
Classification: Likely benign. Last evaluated: 2023-06-12. Review status: criteria provided, single submitter. Criteria: ACMG Guidelines, 2015. Collection method: clinical testing. Allele origin: germline.